The following is an entry in ClinVar:

ClinVar aggregate classification (germline): Uncertain significance. Review status: criteria provided, multiple submitters, no conflicts (2 of 4 stars). 3 submissions from 3 submitters: Uncertain significance (3). Last evaluated 2025-09-27.

Conditions:
Catecholaminergic polymorphic ventricular tachycardia (CVPT). Also called: Catecholamine-induced polymorphic ventricular tachycardia. Identifiers: Orphanet 3286, MedGen C5574922, MONDO:0017990.
Cardiomyopathy (CMYO). Also called: Cardiomyopathies. Identifiers: Orphanet 167848, MedGen C0878544, MONDO:0004994, HP:0001638. Inheritance: Various modes of inheritance.
Catecholaminergic polymorphic ventricular tachycardia 1. Also called: VENTRICULAR TACHYCARDIA, CATECHOLAMINERGIC POLYMORPHIC, 1, WITH OR WITHOUT ATRIAL DYSFUNCTION AND/OR DILATED CARDIOMYOPATHY; RYR2-Related Catecholaminergic Polymorphic Ventricular Tachycardia; VENTRICULAR TACHYCARDIA, STRESS-INDUCED POLYMORPHIC 1. Identifiers: Orphanet 3286, MedGen C1631597, MONDO:0011484, OMIM 604772.

Allele frequency attached by ClinVar (database versions not stated): gnomAD exomes below 0.00001; gnomAD 0.00001.
gnomAD v4.1: 12 of 1,613,802 alleles (0.00074%); highest among the groups gnomAD compares: Middle Eastern, 0.016%; no homozygotes.

Submissions (3):

Labcorp Genetics (formerly Invitae), Labcorp
Classification: Uncertain significance for Catecholaminergic polymorphic ventricular tachycardia 1. Last evaluated: 2025-09-27. Review status: criteria provided, single submitter. Criteria: Invitae Variant Classification Sherloc (09022015). Collection method: clinical testing. Allele origin: germline.
Comment: This sequence change replaces glutamic acid, which is acidic and polar, with aspartic acid, which is acidic and polar, at codon 4213 of the RYR2 protein (p.Glu4213Asp). This variant is not present in population databases (gnomAD no frequency). This missense change has been observed in individual(s) with clinical features of RYR2-related conditions (PMID: 22222782, 32152366). ClinVar contains an entry for this variant (Variation ID: 921371). Invitae Evidence Modeling of protein sequence and biophysical properties (such as structural, functional, and spatial information, amino acid conservation, physicochemical variation, residue mobility, and thermodynamic stability) indicates that this missense variant is not expected to disrupt RYR2 protein function with a negative predictive value of 95%. In summary, the available evidence is currently insufficient to determine the role of this variant in disease. Therefore, it has been classified as a Variant of Uncertain Significance.

All of Us Research Program, National Institutes of Health
Classification: Uncertain significance for Catecholaminergic polymorphic ventricular tachycardia. Last evaluated: 2024-09-26. Review status: criteria provided, single submitter. Criteria: ACMG Guidelines, 2015. Collection method: clinical testing. Allele origin: germline. Inheritance: Autosomal dominant inheritance. Observed: 1 variant allele, 1 heterozygote.
Comment: This missense variant replaces glutamic acid with aspartic acid at codon 4213 of the RYR2 protein. Computational prediction suggests that this variant may not impact protein structure and function (internally defined REVEL score threshold <= 0.5, PMID: 27666373). To our knowledge, functional studies have not been reported for this variant. This variant has been reported in an individual affected with sudden unexpected death (PMID: 22222782). This variant has not been identified in the general population by the Genome Aggregation Database (gnomAD). The available evidence is insufficient to determine the role of this variant in disease conclusively. Therefore, this variant is classified as a Variant of Uncertain Significance.

This study involves interpretation of variants in research participants for the purpose of population health screening. Participant phenotype was not available at the time of variant classification. Additional details can be found in publication PMID: 35346344, PMCID: PMC8962531

Color Diagnostics, LLC DBA Color Health
Classification: Uncertain significance for Cardiomyopathy. Last evaluated: 2024-08-21. Review status: criteria provided, single submitter. Criteria: ACMG Guidelines, 2015. Collection method: clinical testing. Allele origin: germline.
Comment: This missense variant replaces glutamic acid with aspartic acid at codon 4213 of the RYR2 protein. Computational prediction suggests that this variant may not impact protein structure and function. To our knowledge, functional studies have not been reported for this variant. This variant has been reported in an individual affected with sudden unexpected death (PMID: 22222782). This variant has not been identified in the general population by the Genome Aggregation Database (gnomAD). The available evidence is insufficient to determine the role of this variant in disease conclusively. Therefore, this variant is classified as a Variant of Uncertain Significance.

Literature cited by the submitters: PubMed 22222782 (cited by 3 submitters); PubMed 32152366 (cited by Labcorp Genetics (formerly Invitae), Labcorp).

NM_001035.3(RYR2):c.12639G>C (p.Glu4213Asp)

Genes: RYR2 (ryanodine receptor 2; plus strand), LOC126806068 (BRD4-independent group 4 enhancer GRCh37_chr1:237947411-237948610; plus strand). Cytogenetic location: 1q43.
Variant type: single nucleotide variant.
Coding change: c.12639G>C on transcript NM_001035.3 (MANE Select); coding-DNA position 12639, G replaced by C.
Protein change: p.Glu4213Asp; replaces glutamic acid 4213 with aspartic acid.
Molecular consequence: missense variant.
Genome position (GRCh38, 1-based): chr1:237,784,351, G>C. VCF-style: chr1-237784351-G-C. GRCh37 (hg19) VCF-style: chr1-237947651-G-C.
Other names: short protein forms E4213D.
Identifiers: ClinVar variation 921371 (VCV000921371.16), dbSNP rs1695374375, ClinGen allele CA345413808.